The following is an entry in ClinVar:

NM_002516.4(NOVA2):c.82G>C (p.Gly28Arg)

Gene: NOVA2 (NOVA alternative splicing regulator 2; minus strand). Cytogenetic location: 19q13.32.
Variant type: single nucleotide variant.
Coding change: c.82G>C on transcript NM_002516.4 (MANE Select); coding-DNA position 82, G replaced by C.
Protein change: p.Gly28Arg; replaces glycine 28 with arginine.
Molecular consequence: missense variant.
Genome position (GRCh38, 1-based): chr19:45,973,270, C>G on the plus strand (G>C on the coding strand, the complement: NOVA2 is on the minus strand). VCF-style: chr19-45973270-C-G. GRCh37 (hg19) VCF-style: chr19-46476528-C-G.
Other names: short protein forms G28R.
Identifiers: ClinVar variation 4281775 (VCV004281775.1).
Genomic context (GRCh38, chr19:45,973,270, plus strand): 5'-GGAGAAAGGCGAGGCCCCCTGCCCGCTCCCCCGCCCCGAGCCGCAGCCCTTTCTCACCTC[C>G]CGTGTTGCTGCGCTTGGTGCAGACCACCTCGGGGGGCGTTTCGAGGGGCCTCTTGCGGGA-3'
Protein context (NP_002507.1, residues 18-38): EVVCTKRSNT[Gly28Arg]EEGEYFLKVL

ClinVar aggregate classification (germline): Uncertain significance (1 of 4 stars; one submission).

gnomAD v4.1: 2 of 1,464,200 alleles (0.00014%); highest among the groups gnomAD compares: Non-Finnish European, 0.000091%; no homozygotes.

Submission:

GeneDx
Classification: Uncertain significance. Last evaluated: 2025-04-07. Review status: criteria provided, single submitter. Criteria: GeneDx Variant Classification Process June 2021. Collection method: clinical testing. Allele origin: germline. Affected: yes.
Comment: Not observed at significant frequency in large population cohorts (gnomAD); In silico analysis supports that this missense variant has a deleterious effect on protein structure/function; Has not been previously published as pathogenic or benign to our knowledge